The following is an entry in ClinVar:

ClinVar aggregate classification (germline): Likely pathogenic (1 of 4 stars; one submission).

Conditions:
Familial multiple polyposis syndrome (FAP). Also called: Familial adenomatous polyposis; Familial polyposis; Familial Adenomatous Polyposis (FAP); Classic familial adenomatous polyposis; Familial intestinal polyposis. Identifiers: Orphanet 733, MedGen C0032580, MONDO:0021055. Disease mechanism: loss of function.

Submission:

Women's Health and Genetics/Laboratory Corporation of America, LabCorp
Classification: Likely pathogenic for Familial adenomatous polyposis. Last evaluated: 2017-11-09. Review status: criteria provided, single submitter. Criteria: LabCorp Variant Classification Summary - May 2015. Collection method: clinical testing. Allele origin: germline.
Comment: Variant summary: The APC c.5152_5153delinsA (p.Ala1718LysfsX26) variant results in a premature termination codon at codon 1744 out of a total of 2844 amino acids, significantly shortening the protein. This variant is predicted to cause a truncated or absent APC protein due to nonsense mediated decay, which are commonly known mechanisms for disease. Despite this variant being located in the last exon of the gene, numerous truncations downstream of this position have been classified as pathogenic by other clinical labs in ClinVar. One in silico tool predicts a damaging outcome for this variant. This variant is absent in 276144 control chromosomes. The variant of interest has not, to our knowledge, been reported in affected individuals via publications and/or reputable databases/clinical diagnostic laboratories; nor evaluated for functional impact by in vivo/vitro studies. Taken together, this variant is classified as likely pathogenic.

NM_000038.6(APC):c.5152_5153delinsA (p.Ala1718fs)

Gene: APC (APC regulator of Wnt signaling pathway; plus strand). Cytogenetic location: 5q22.2.
Variant type: Indel.
Coding change: c.5152_5153delinsA on transcript NM_000038.6 (MANE Select); coding-DNA positions 5152 to 5153, GC replaced by A.
Protein change: p.Ala1718fs; shifts the reading frame from alanine 1718.
Molecular consequence: frameshift variant.
Genome position (GRCh38, 1-based): chr5:112,840,746-112,840,747, GC replaced by A. VCF-style: chr5-112840746-GC-A. GRCh37 (hg19) VCF-style: chr5-112176443-GC-A.
Other names: c.5152_5153delinsA, p.Ala1718fs (NM_001127510.3, NM_001354895.2); c.5098_5099delinsA, p.Ala1700fs (NM_001127511.3); c.5206_5207delinsA, p.Ala1736fs (NM_001354896.2); c.5182_5183delinsA, p.Ala1728fs (NM_001354897.2); c.5077_5078delinsA, p.Ala1693fs (NM_001354898.2); c.5068_5069delinsA, p.Ala1690fs (NM_001354899.2); c.5029_5030delinsA, p.Ala1677fs (NM_001354900.2); c.4975_4976delinsA, p.Ala1659fs (NM_001354901.2); and 5 more; short protein forms A1558fs, A1659fs, A1718fs, A1736fs, A1627fs, A1693fs, A1592fs, A1690fs.
Identifiers: ClinVar variation 633039 (VCV000633039.1), dbSNP rs1561598017, ClinGen allele CA913189679.